The following is an entry in ClinVar:

ClinVar aggregate classification (germline): Uncertain significance (1 of 4 stars; one submission).

Conditions:
Chuvash polycythemia. Also called: POLYCYTHEMIA, VHL-DEPENDENT. Identifiers: Orphanet 238557, MedGen C1837915, MONDO:0009892, OMIM 263400.
Von Hippel-Lindau syndrome (VHLS). Also called: VHL syndrome; von Hippel–Lindau syndrome; Von Hippel-Lindau. Identifiers: Orphanet 892, MedGen C0019562, MONDO:0008667, OMIM 193300. Disease mechanism: loss of function.

Submission:

Labcorp Genetics (formerly Invitae), Labcorp
Classification: Uncertain significance for Von Hippel-Lindau syndrome; Chuvash polycythemia. Last evaluated: 2024-11-24. Review status: criteria provided, single submitter. Criteria: Invitae Variant Classification Sherloc (09022015). Collection method: clinical testing. Allele origin: germline.
Comment: This sequence change replaces arginine, which is basic and polar, with histidine, which is basic and polar, at codon 79 of the VHL protein (p.Arg79His). This variant is not present in population databases (gnomAD no frequency). This variant has not been reported in the literature in individuals affected with VHL-related conditions. Invitae Evidence Modeling of protein sequence and biophysical properties (such as structural, functional, and spatial information, amino acid conservation, physicochemical variation, residue mobility, and thermodynamic stability) indicates that this missense variant is expected to disrupt VHL protein function with a positive predictive value of 95%. In summary, the available evidence is currently insufficient to determine the role of this variant in disease. Therefore, it has been classified as a Variant of Uncertain Significance.

NM_000551.4(VHL):c.236G>A (p.Arg79His)

Gene: VHL (von Hippel-Lindau tumor suppressor; plus strand). Cytogenetic location: 3p25.3.
Variant type: single nucleotide variant.
Coding change: c.236G>A on transcript NM_000551.4 (MANE Select); coding-DNA position 236, G replaced by A.
Protein change: p.Arg79His; replaces arginine 79 with histidine.
Molecular consequence: missense variant. On other transcripts: non-coding transcript variant (1).
Genome position (GRCh38, 1-based): chr3:10,142,083, G>A. VCF-style: chr3-10142083-G-A. GRCh37 (hg19) VCF-style: chr3-10183767-G-A.
Other names: c.236G>A, p.Arg79His (NM_001354723.2, NM_198156.3); short protein forms R79H.
Identifiers: ClinVar variation 3753895 (VCV003753895.2).